The following is an entry in ClinVar:

ClinVar aggregate classification (germline): Pathogenic (1 of 4 stars; one submission).

Conditions:
Hereditary breast ovarian cancer syndrome. Also called: Hereditary breast and ovarian cancer syndrome (HBOC); Hereditary breast and ovarian cancer; BRCA1- and BRCA2-Associated Hereditary Breast and Ovarian Cancer; Hereditary breast and ovarian cancer syndrome; Hereditary breast and/or ovarian cancer syndrome; Breast and ovarian cancer. Identifiers: Orphanet 145, MedGen C0677776, MeSH D061325, MONDO:0003582. Disease mechanism: loss of function.

Submission:

Labcorp Genetics (formerly Invitae), Labcorp
Classification: Pathogenic for Hereditary breast ovarian cancer syndrome. Last evaluated: 2024-03-05. Review status: criteria provided, single submitter. Criteria: Invitae Variant Classification Sherloc (09022015). Collection method: clinical testing. Allele origin: germline.
Comment: This sequence change creates a premature translational stop signal (p.Thr399Asnfs*22) in the BRCA2 gene. It is expected to result in an absent or disrupted protein product. Loss-of-function variants in BRCA2 are known to be pathogenic (PMID: 20104584). This variant is not present in population databases (gnomAD no frequency). This variant has not been reported in the literature in individuals affected with BRCA2-related conditions. For these reasons, this variant has been classified as Pathogenic.

Literature cited by the submitters: PubMed 20104584.

NM_000059.4(BRCA2):c.1195dup (p.Thr399fs)

Gene: BRCA2 (BRCA2 DNA repair associated; plus strand). Cytogenetic location: 13q13.1.
Variant type: Duplication.
Coding change: c.1195dup on transcript NM_000059.4 (MANE Select); coding-DNA position 1195, one base duplicated (A; older notation c.1195dupA).
Protein change: p.Thr399fs; shifts the reading frame from threonine 399.
Molecular consequence: frameshift variant. On other transcripts: non-coding transcript variant (1), intron variant (1).
Genome position (GRCh38, 1-based): chr13:32,332,673, A duplicated; the last of 2 consecutive A bases (chr13:32,332,672-32,332,673); duplicating either gives the same sequence. VCF-style (leftmost placement, unchanged base first): chr13-32332671-T-TA. GRCh37 (hg19) VCF-style: chr13-32906808-T-TA.
Other names: c.1195dup, p.Thr399fs (NM_001406719.1, NM_001406720.1, NM_001406721.1 and 1 more transcripts); c.424+1643dup (NM_001406722.1); short protein forms T399fs.
Identifiers: ClinVar variation 3644533 (VCV003644533.2).